The following is an entry in ClinVar:

ClinVar aggregate classification (germline): Uncertain significance. Review status: criteria provided, multiple submitters, no conflicts (2 of 4 stars). 2 submissions from 2 submitters: Uncertain significance (2). Last evaluated 2026-01-23.

gnomAD v4.1: 49 of 1,611,210 alleles (0.003%); highest among the groups gnomAD compares: Admixed American, 0.013%; no homozygotes.

Submissions (2):

GeneDx
Classification: Uncertain significance. Last evaluated: 2026-01-23. Review status: criteria provided, single submitter. Criteria: GeneDx Variant Classification Process June 2021. Collection method: clinical testing. Allele origin: germline.
Comment: Identified in a family with clinical features consistent with adolescent idiopathic scoliosis in published literature (PMID: 31148267); Published functional studies suggest a damaging effect with a negative impact on HGF function, particularly in protein secretion and in supporting cell migration (PMID: 31148267); In silico analysis suggests that this missense variant does not alter protein structure/function; This variant is associated with the following publications: (PMID: 31148267)

Labcorp Genetics (formerly Invitae), Labcorp
Classification: Uncertain significance. Last evaluated: 2025-07-29. Review status: criteria provided, single submitter. Criteria: Invitae Variant Classification Sherloc (09022015). Collection method: clinical testing. Allele origin: germline.
Comment: This sequence change replaces threonine, which is neutral and polar, with methionine, which is neutral and non-polar, at codon 596 of the HGF protein (p.Thr596Met). This variant is present in population databases (rs751819844, gnomAD 0.02%). This missense change has been observed in individual(s) with adolescent idiopathic scoliosis (PMID: 31148267). An algorithm developed to predict the effect of missense changes on protein structure and function (PolyPhen-2) suggests that this variant is likely to be disruptive. Experimental studies have shown that this missense change affects HGF function (PMID: 31148267). In summary, the available evidence is currently insufficient to determine the role of this variant in disease. Therefore, it has been classified as a Variant of Uncertain Significance.

Literature cited by the submitters: PubMed 31148267 (cited by Labcorp Genetics (formerly Invitae), Labcorp).

NM_000601.6(HGF):c.1787C>T (p.Thr596Met)

Gene: HGF (hepatocyte growth factor; minus strand). Cytogenetic location: 7q21.11.
Variant type: single nucleotide variant.
Coding change: c.1787C>T on transcript NM_000601.6 (MANE Select); coding-DNA position 1787, C replaced by T.
Protein change: p.Thr596Met; replaces threonine 596 with methionine.
Molecular consequence: missense variant.
Genome position (GRCh38, 1-based): chr7:81,705,724, G>A on the plus strand (C>T on the coding strand, the complement: HGF is on the minus strand). VCF-style: chr7-81705724-G-A. GRCh37 (hg19) VCF-style: chr7-81335040-G-A.
Other names: c.1787C>T (NM_000601.4); c.1772C>T, p.Thr591Met (NM_001010932.3); short protein forms T591M, T596M.
Identifiers: ClinVar variation 4754547 (VCV004754547.2).